The following is an entry in ClinVar:

ClinVar aggregate classification (germline): Uncertain significance (1 of 4 stars; one submission).

Conditions:
Nance-Horan syndrome (NHS). Identifiers: Orphanet 627, MedGen C0796085, MONDO:0010545, OMIM 302350.

Submission:

Labcorp Genetics (formerly Invitae), Labcorp
Classification: Uncertain significance for Nance-Horan syndrome. Last evaluated: 2021-09-30. Review status: criteria provided, single submitter. Criteria: Invitae Variant Classification Sherloc (09022015). Collection method: clinical testing. Allele origin: germline.
Comment: In summary, the available evidence is currently insufficient to determine the role of this variant in disease. Therefore, it has been classified as a Variant of Uncertain Significance. Algorithms developed to predict the effect of missense changes on protein structure and function (SIFT, PolyPhen-2, Align-GVGD) all suggest that this variant is likely to be disruptive. This variant has not been reported in the literature in individuals affected with NHS-related conditions. This variant is not present in population databases (ExAC no frequency). This sequence change replaces alanine with threonine at codon 1607 of the NHS protein (p.Ala1607Thr). The alanine residue is highly conserved and there is a small physicochemical difference between alanine and threonine.

NM_001291867.2(NHS):c.4882G>A (p.Ala1628Thr)

Gene: NHS (NHS actin remodeling regulator; plus strand). Cytogenetic location: Xp22.13.
Variant type: single nucleotide variant.
Coding change: c.4882G>A on transcript NM_001291867.2 (MANE Select); coding-DNA position 4882, G replaced by A.
Protein change: p.Ala1628Thr; replaces alanine 1628 with threonine.
Molecular consequence: missense variant.
Genome position (GRCh38, 1-based): chrX:17,732,390, G>A. VCF-style: chrX-17732390-G-A. GRCh37 (hg19) VCF-style: chrX-17750510-G-A.
Other names: c.4351G>A, p.Ala1451Thr (NM_001136024.4); c.4288G>A, p.Ala1430Thr (NM_001291868.2); c.4819G>A, p.Ala1607Thr (NM_198270.4); short protein forms A1430T, A1607T, A1451T, A1628T.
Identifiers: ClinVar variation 1383735 (VCV001383735.6), dbSNP rs2066494567, ClinGen allele CA412371900.